The following is an entry in ClinVar:

ClinVar aggregate classification (germline): Likely pathogenic (1 of 4 stars; one submission).

gnomAD v4.1: 9 of 1,596,996 alleles (0.00056%); highest among the groups gnomAD compares: Middle Eastern, 0.017%; no homozygotes.

Submission:

Mayo Clinic Laboratories, Mayo Clinic
Classification: Likely pathogenic. Last evaluated: 2025-09-15. Review status: criteria provided, single submitter. Criteria: ACMG Guidelines, 2015. Collection method: clinical testing. Allele origin: germline. Observed: 1 variant allele.
Comment: PM2_supporting, PVS1

Literature cited by the submitters: PubMed 31345219.

NM_015160.3(PMPCA):c.364C>T (p.Arg122Ter)

Gene: PMPCA (peptidase, mitochondrial processing subunit alpha; plus strand). Cytogenetic location: 9q34.3.
Variant type: single nucleotide variant.
Coding change: c.364C>T on transcript NM_015160.3 (MANE Select); coding-DNA position 364, C replaced by T.
Protein change: p.Arg122Ter; replaces arginine 122 with a stop codon.
Molecular consequence: nonsense. On other transcripts: synonymous variant (2).
Genome position (GRCh38, 1-based): chr9:136,412,819, C>T. VCF-style: chr9-136412819-C-T. GRCh37 (hg19) VCF-style: chr9-139307271-C-T.
Other names: p.Arg122*; c.66C>T, p.Leu22= (NM_001282944.2, NM_001282946.2); short protein forms R122*.
Identifiers: ClinVar variation 4541521 (VCV004541521.1).